The following is an entry in ClinVar:

NM_000255.4(MMUT):c.-34T>A

Gene: MMUT (methylmalonyl-CoA mutase; minus strand). Cytogenetic location: 6p12.3.
Variant type: single nucleotide variant.
Coding change: c.-34T>A on transcript NM_000255.4 (MANE Select); 34 bases upstream of the start codon, T replaced by A.
Molecular consequence: 5 prime UTR variant.
Genome position (GRCh38, 1-based): chr6:49,459,500, A>T on the plus strand (T>A on the coding strand, the complement: MMUT is on the minus strand). VCF-style: chr6-49459500-A-T. GRCh37 (hg19) VCF-style: chr6-49427213-A-T.
Other names: KC594083.1.
Identifiers: ClinVar variation 100698 (VCV000100698.1), dbSNP rs483352796, ClinGen allele CA235511.

ClinVar aggregate classification (germline): not provided (0 of 4 stars; one submission).

Submission:

Medical Genetics Unit, Ain Shams University Pediatrics Hospital
No classification provided. Review status: no classification provided. Collection method: not provided. Allele origin: not provided.
Comment: Methylmalonic aciduria